The following is an entry in ClinVar:

NM_001003787.4(STRADA):c.526del (p.Leu176fs)

Genes: STRADA (STE20 related adaptor alpha; minus strand), LOC125312417 (Sharpr-MPRA regulatory region 9817; plus strand). Cytogenetic location: 17q23.3.
Variant type: Deletion.
Coding change: c.526del on transcript NM_001003787.4 (MANE Select); coding-DNA position 526, one base deleted (C; older notation c.526delC).
Protein change: p.Leu176fs; shifts the reading frame from leucine 176.
Molecular consequence: frameshift variant. On other transcripts: non-coding transcript variant (1).
Genome position (GRCh38, 1-based): chr17:63,710,546, G deleted on the plus strand (C on the coding strand, the reverse complement: STRADA is on the minus strand); the first of 2 consecutive G bases (chr17:63,710,546-63,710,547); deleting either gives the same sequence. VCF-style (leftmost placement, unchanged base first): chr17-63710545-AG-A. GRCh37 (hg19) VCF-style: chr17-61787905-AG-A.
Other names: c.415del, p.Leu139fs (NM_001003786.3, NM_001363789.1, NM_153335.6); c.352del, p.Leu118fs (NM_001003788.3, NM_001363790.1, NM_001363791.1); c.439del, p.Leu147fs (NM_001165969.2, NM_001363787.1, NM_001411084.1); c.394del, p.Leu132fs (NM_001165970.2); c.502del, p.Leu168fs (NM_001363786.1); c.526del, p.Leu176fs (NM_001363788.1, NM_001411083.1, NM_001411085.1); short protein forms L132fs, L168fs, L176fs, L118fs, L139fs, L147fs.
Identifiers: ClinVar variation 3663344 (VCV003663344.2).

ClinVar aggregate classification (germline): Pathogenic (1 of 4 stars; one submission).

Conditions:
Polyhydramnios, megalencephaly, and symptomatic epilepsy (PMSE). Also called: PMSE SYNDROME. Identifiers: Orphanet 500533, MedGen C1970203, MONDO:0012611, OMIM 611087.

Submission:

Labcorp Genetics (formerly Invitae), Labcorp
Classification: Pathogenic for Polyhydramnios, megalencephaly, and symptomatic epilepsy. Last evaluated: 2024-08-24. Review status: criteria provided, single submitter. Criteria: Invitae Variant Classification Sherloc (09022015). Collection method: clinical testing. Allele origin: germline.
Comment: This sequence change creates a premature translational stop signal (p.Leu176Cysfs*5) in the STRADA gene. It is expected to result in an absent or disrupted protein product. Loss-of-function variants in STRADA are known to be pathogenic (PMID: 17522105, 27170158). This variant is not present in population databases (gnomAD no frequency). This variant has not been reported in the literature in individuals affected with STRADA-related conditions. For these reasons, this variant has been classified as Pathogenic.

Literature cited by the submitters: PubMed 17522105; PubMed 27170158.